The following is an entry in ClinVar:

ClinVar aggregate classification (germline): Pathogenic (1 of 4 stars; one submission).

Conditions:
Megaconial type congenital muscular dystrophy (MDCMC). Also called: CHKB-Related Muscle Diseases; MUSCULAR DYSTROPHY, CONGENITAL, WITH MITOCHONDRIAL STRUCTURAL ABNORMALITIES; CHKB-Related Muscular Dystrophy. Identifiers: Orphanet 280671, MedGen C1865233, MONDO:0011246, OMIM 602541.

Allele frequency attached by ClinVar (database versions not stated): gnomAD exomes below 0.00001.

Submission:

Labcorp Genetics (formerly Invitae), Labcorp
Classification: Pathogenic for Megaconial type congenital muscular dystrophy. Last evaluated: 2022-06-04. Review status: criteria provided, single submitter. Criteria: Invitae Variant Classification Sherloc (09022015). Collection method: clinical testing. Allele origin: germline.
Comment: For these reasons, this variant has been classified as Pathogenic. ClinVar contains an entry for this variant (Variation ID: 468473). This variant has not been reported in the literature in individuals affected with CHKB-related conditions. This variant is present in population databases (no rsID available, gnomAD 0.003%). This sequence change creates a premature translational stop signal (p.Gln134*) in the CHKB gene. It is expected to result in an absent or disrupted protein product. Loss-of-function variants in CHKB are known to be pathogenic (PMID: 21665002).

Literature cited by the submitters: PubMed 21665002.

NM_005198.5(CHKB):c.400C>T (p.Gln134Ter)

Genes: CHKB-CPT1B (CHKB-CPT1B readthrough (NMD candidate); minus strand), CHKB (choline kinase beta; minus strand). Cytogenetic location: 22q13.33.
Variant type: single nucleotide variant.
Coding change: c.400C>T on transcript NM_005198.5 (MANE Select); coding-DNA position 400, C replaced by T.
Protein change: p.Gln134Ter; replaces glutamine 134 with a stop codon.
Molecular consequence: nonsense. On other transcripts: non-coding transcript variant (1).
Genome position (GRCh38, 1-based): chr22:50,581,796, G>A on the plus strand (C>T on the coding strand, the complement: CHKB is on the minus strand). VCF-style: chr22-50581796-G-A. GRCh37 (hg19) VCF-style: chr22-51020225-G-A.
Other names: short protein forms Q134*.
Identifiers: ClinVar variation 468473 (VCV000468473.7), dbSNP rs1333100080, ClinGen allele CA412201426.
Genomic context (GRCh38, chr22:50,581,796, plus strand): 5'-ACTGGGCCCGTACTGGGATGTACTGTTCCAGCCGGCCCTCTGGGAAGACTCCGTACAGCT[G>A]GGGCCCCAGCGACCGCTCCGCAAGTATGGCGAACATCACGCTTTCTAGCACCAGGGAGTC-3'